The following is an entry in ClinVar:

NM_002506.3(NGF):c.54G>A (p.Ala18=)

Genes: NGF (nerve growth factor; minus strand), NGF-AS1 (NGF antisense RNA 1; plus strand). Cytogenetic location: 1p13.2.
Variant type: single nucleotide variant.
Coding change: c.54G>A on transcript NM_002506.3 (MANE Select); coding-DNA position 54, G replaced by A.
Protein change: p.Ala18=; no amino-acid change (alanine 18 retained).
Molecular consequence: synonymous variant.
Genome position (GRCh38, 1-based): chr1:115,286,742, C>T on the plus strand (G>A on the coding strand, the complement: NGF is on the minus strand). VCF-style: chr1-115286742-C-T. GRCh37 (hg19) VCF-style: chr1-115829363-C-T.
Other names: p.Ala18=.
Identifiers: ClinVar variation 291994 (VCV000291994.22), dbSNP rs6325, ClinGen allele CA1023075.

ClinVar aggregate classification (germline): Benign. Review status: criteria provided, multiple submitters, no conflicts (2 of 4 stars). 7 submissions from 7 submitters: Benign (6). 1 of the submissions does not count toward it. Last evaluated 2026-02-02.

Conditions:
Congenital sensory neuropathy with selective loss of small myelinated fibers (HSAN5). Also called: HSAN Type V. Identifiers: Orphanet 64752, MedGen C0020075, MONDO:0012092, OMIM 608654.
NGF-related disorder. Also called: NGF-related condition.

Allele frequency attached by ClinVar (database versions not stated): gnomAD exomes 0.00359 and 0.00968; ExAC 0.01207; gnomAD 0.03769 and 0.04032; ESP Exome Variant Server 0.04083; TOPMed 0.04107; 1000 Genomes Project 0.04473; 1000 Genomes Project 30x 0.04872.
gnomAD v4.1: 11,186 of 1,614,086 alleles (0.69%); highest among the groups gnomAD compares: African/African-American, 13%; 724 homozygotes.

Submissions (7):

Labcorp Genetics (formerly Invitae), Labcorp
Classification: Benign for Congenital sensory neuropathy with selective loss of small myelinated fibers. Last evaluated: 2026-02-02. Review status: criteria provided, single submitter. Criteria: Invitae Variant Classification Sherloc (09022015). Collection method: clinical testing. Allele origin: germline.

Genome-Nilou Lab
Classification: Benign for Congenital sensory neuropathy with selective loss of small myelinated fibers. Last evaluated: 2023-04-11. Review status: criteria provided, single submitter. Criteria: ACMG Guidelines, 2015. Collection method: clinical testing. Allele origin: germline. Affected: no.

Illumina Laboratory Services, Illumina
Classification: Benign for Congenital sensory neuropathy with selective loss of small myelinated fibers. Last evaluated: 2018-01-13. Review status: criteria provided, single submitter. Criteria: ICSL Variant Classification Criteria 13 December 2019. Collection method: clinical testing. Allele origin: germline.
Comment: This variant was observed in the ICSL laboratory as part of a predisposition screen in an ostensibly healthy population. It had not been previously curated by ICSL or reported in the Human Gene Mutation Database (HGMD: prior to June 1st, 2018), and was therefore a candidate for classification through an automated scoring system. Utilizing variant allele frequency, disease prevalence and penetrance estimates, and inheritance mode, an automated score was calculated to assess if this variant is too frequent to cause the disease. Based on the score and internal cut-off values, a variant classified as benign is not then subjected to further curation. The score for this variant resulted in a classification of benign for this disease.

Mayo Clinic Laboratories, Mayo Clinic
Classification: Benign. Last evaluated: 2016-03-04. Review status: criteria provided, single submitter. Criteria: ACMG Guidelines, 2015. Collection method: clinical testing. Allele origin: germline. Observed: 13 variant alleles.

GeneDx
Classification: Benign. Last evaluated: 2015-03-03. Review status: criteria provided, single submitter. Criteria: GeneDx Variant Classification Process June 2021. Collection method: clinical testing. Allele origin: germline. Affected: yes.

Breakthrough Genomics
Classification: Benign. Review status: criteria provided, single submitter. Criteria: ACMG Guidelines, 2015. Collection method: not provided. Allele origin: germline. Inheritance: Autosomal recessive inheritance. Affected: yes.

PreventionGenetics, part of Exact Sciences
Classification: Benign for NGF-related condition. Last evaluated: 2019-12-23. Review status: no assertion criteria provided. Collection method: clinical testing. Allele origin: germline. Not counted in ClinVar's aggregate classification.
Comment: This variant is classified as benign based on ACMG/AMP sequence variant interpretation guidelines (Richards et al. 2015 PMID: 25741868, with internal and published modifications).